The following is an entry in ClinVar:

NM_015425.6(POLR1A):c.4466G>A (p.Ser1489Asn)

Gene: POLR1A (RNA polymerase I subunit A; minus strand). Cytogenetic location: 2p11.2.
Variant type: single nucleotide variant.
Coding change: c.4466G>A on transcript NM_015425.6 (MANE Select); coding-DNA position 4466, G replaced by A.
Protein change: p.Ser1489Asn; replaces serine 1489 with asparagine.
Molecular consequence: missense variant.
Genome position (GRCh38, 1-based): chr2:86,031,442, C>T on the plus strand (G>A on the coding strand, the complement: POLR1A is on the minus strand). VCF-style: chr2-86031442-C-T. GRCh37 (hg19) VCF-style: chr2-86258565-C-T.
Other names: short protein forms S1489N.
Identifiers: ClinVar variation 2106744 (VCV002106744.4), dbSNP rs2466308113, ClinGen allele CA347546453.

ClinVar aggregate classification (germline): Uncertain significance (1 of 4 stars; one submission).

Allele frequency attached by ClinVar (database versions not stated): gnomAD exomes below 0.00001.
gnomAD v4.1: 1 of 1,614,142 alleles (0.000062%); highest among the groups gnomAD compares: Non-Finnish European, 0.000085%; no homozygotes.

Submission:

Labcorp Genetics (formerly Invitae), Labcorp
Classification: Uncertain significance. Last evaluated: 2022-11-08. Review status: criteria provided, single submitter. Criteria: Invitae Variant Classification Sherloc (09022015). Collection method: clinical testing. Allele origin: germline.
Comment: In summary, the available evidence is currently insufficient to determine the role of this variant in disease. Therefore, it has been classified as a Variant of Uncertain Significance. Advanced modeling of protein sequence and biophysical properties (such as structural, functional, and spatial information, amino acid conservation, physicochemical variation, residue mobility, and thermodynamic stability) performed at Invitae indicates that this missense variant is not expected to disrupt POLR1A protein function. This variant has not been reported in the literature in individuals affected with POLR1A-related conditions. This variant is not present in population databases (gnomAD no frequency). This sequence change replaces serine, which is neutral and polar, with asparagine, which is neutral and polar, at codon 1489 of the POLR1A protein (p.Ser1489Asn).